The following is an entry in ClinVar:

NM_001297719.2(BMAL1):c.1690dup (p.Tyr564fs)

Gene: BMAL1 (basic helix-loop-helix ARNT like 1; plus strand). Cytogenetic location: 11p15.3.
Variant type: Duplication.
Coding change: c.1690dup on transcript NM_001297719.2 (MANE Select); coding-DNA position 1690, one base duplicated (T; older notation c.1690dupT).
Protein change: p.Tyr564fs; shifts the reading frame from tyrosine 564.
Molecular consequence: frameshift variant. On other transcripts: non-coding transcript variant (7).
Genome position (GRCh38, 1-based): chr11:13,385,761, T duplicated; the last of 2 consecutive T bases (chr11:13,385,760-13,385,761); duplicating either gives the same sequence. VCF-style (leftmost placement, unchanged base first): chr11-13385759-G-GT. GRCh37 (hg19) VCF-style: chr11-13407306-G-GT.
Other names: c.1687dup, p.Tyr563fs (NM_001030272.3, NM_001178.6, NM_001351804.1 and 1 more transcripts); c.1558dup, p.Tyr520fs (NM_001030273.3, NM_001351818.2); c.1690dup, p.Tyr564fs (NM_001297722.2, NM_001351824.2); c.1561dup, p.Tyr521fs (NM_001297724.2, NM_001351808.2, NM_001351816.2 and 3 more transcripts); c.1651dup, p.Tyr551fs (NM_001351805.2); c.1648dup, p.Tyr550fs (NM_001351806.2); c.1705dup, p.Tyr569fs (NM_001351807.2, NM_001351814.2); c.1639dup, p.Tyr547fs (NM_001351809.2, NM_001351812.2); and 5 more; short protein forms Y314fs, Y446fs, Y520fs, Y521fs, Y525fs, Y526fs, Y547fs, Y550fs.
Identifiers: ClinVar variation 4818984 (VCV004818984.1).

ClinVar aggregate classification (germline): Uncertain significance (1 of 4 stars; one submission).

Conditions:
Neurodevelopmental disorder. Identifiers: MedGen C1535926, MeSH D065886, MONDO:0700092.

Submission:

Victorian Clinical Genetics Services, Murdoch Childrens Research Institute
Classification: Uncertain significance for Neurodevelopmental disorder. Last evaluated: 2025-11-21. Review status: criteria provided, single submitter. Criteria: ACMG Guidelines, 2015. Collection method: clinical testing. Allele origin: germline. Affected: yes.
Comment: This variant is classified as VUS-3A. Evidence in support of pathogenic classification: Variant is predicted to result in a truncated protein (premature termination codon is NOT located at least 54 nucleotides upstream of the final exon-exon junction) with less than 1/3 of the protein sequence affected; Variant is absent from gnomAD (v2, v3 and v4); Additional information: This variant is heterozygous; This gene is associated with autosomal dominant disease; This variant has no previous evidence of pathogenicity; No published evidence of segregation with disease has been identified for this variant; No published functional evidence has been identified for this variant; No comparable protein truncating variants have previous evidence for pathogenicity; Loss of function is a known mechanism of disease in this gene and is associated with neurodevelopmental disorder (MONDO:0700092), BMAL1-related. Gain of function and dominant-negative mechanisms have been postulated, but remain unestablished (PMID: 40720646)

Literature cited by the submitters: PubMed 40720646.